The following is an entry in ClinVar:

ClinVar aggregate classification (germline): Pathogenic (1 of 4 stars; one submission).

Submission:

Labcorp Genetics (formerly Invitae), Labcorp
Classification: Pathogenic. Last evaluated: 2024-06-21. Review status: criteria provided, single submitter. Criteria: Invitae Variant Classification Sherloc (09022015). Collection method: clinical testing. Allele origin: germline.
Comment: This sequence change creates a premature translational stop signal (p.Val180*) in the ZNF292 gene. It is expected to result in an absent or disrupted protein product. Loss-of-function variants in ZNF292 are known to be pathogenic (PMID: 31723249). This variant is not present in population databases (gnomAD no frequency). This variant has not been reported in the literature in individuals affected with ZNF292-related conditions. For these reasons, this variant has been classified as Pathogenic.

Literature cited by the submitters: PubMed 31723249.

NM_015021.3(ZNF292):c.537del (p.Lys179_Val180insTer)

Gene: ZNF292 (zinc finger protein 292; plus strand). Cytogenetic location: 6q14.3.
Variant type: Deletion.
Coding change: c.537del on transcript NM_015021.3 (MANE Select); coding-DNA position 537, one base deleted (A; older notation c.537delA).
Protein change: p.Lys179_Val180insTer.
Molecular consequence: frameshift variant.
Genome position (GRCh38, 1-based): chr6:87,218,730, A deleted; the last of 3 consecutive A bases (chr6:87,218,728-87,218,730); deleting any one gives the same sequence. VCF-style (leftmost placement, unchanged base first): chr6-87218727-TA-T. GRCh37 (hg19) VCF-style: chr6-87928445-TA-T.
Other names: c.117del, p.Lys39_Val40insTer (NM_001351444.2).
Identifiers: ClinVar variation 3706907 (VCV003706907.2).